The following is an entry in ClinVar:

NM_025114.4(CEP290):c.6079del (p.Glu2027fs)

Gene: CEP290 (centrosomal protein 290; minus strand). Cytogenetic location: 12q21.32.
Variant type: Deletion.
Coding change: c.6079del on transcript NM_025114.4 (MANE Select); coding-DNA position 6079, one base deleted (G; older notation c.6079delG).
Protein change: p.Glu2027fs; shifts the reading frame from glutamic acid 2027.
Molecular consequence: frameshift variant.
Genome position (GRCh38, 1-based): chr12:88,068,578, C deleted on the plus strand (G on the coding strand, the reverse complement: CEP290 is on the minus strand). VCF-style (leftmost placement, unchanged base first): chr12-88068577-TC-T. GRCh37 (hg19) VCF-style: chr12-88462354-TC-T.
Other names: short protein forms E2027fs.
Identifiers: ClinVar variation 1073456 (VCV001073456.9), dbSNP rs2136911634, ClinGen allele CA2499221866.

ClinVar aggregate classification (germline): Pathogenic (1 of 4 stars; one submission).

Conditions:
Joubert syndrome. Also called: Familial aplasia of the vermis; CEREBELLOPARENCHYMAL DISORDER IV; JOUBERT-BOLTSHAUSER SYNDROME. Identifiers: Orphanet 475, MedGen C5979921, MONDO:0018772.
Meckel-Gruber syndrome. Also called: Dysencephalia splachnocystica; DYSENCEPHALIA SPLANCHNOCYSTICA; GRUBER SYNDROME. Identifiers: Orphanet 564, MedGen C0265215, MONDO:0018921.
Nephronophthisis. Also called: Juvenile Nephronophthisis. Identifiers: Orphanet 655, MedGen C0687120, MONDO:0019005, HP:0000090.

Allele frequency attached by ClinVar (database versions not stated): gnomAD exomes below 0.00001.

Submission:

Labcorp Genetics (formerly Invitae), Labcorp
Classification: Pathogenic for Joubert syndrome; Meckel-Gruber syndrome; Nephronophthisis. Last evaluated: 2026-01-19. Review status: criteria provided, single submitter. Criteria: Invitae Variant Classification Sherloc (09022015). Collection method: clinical testing. Allele origin: germline.
Comment: This sequence change creates a premature translational stop signal (p.Glu2027Lysfs*6) in the CEP290 gene. It is expected to result in an absent or disrupted protein product. Loss-of-function variants in CEP290 are known to be pathogenic (PMID: 16909394, 17345604, 20690115). This variant is not present in population databases (gnomAD no frequency). This premature translational stop signal has been observed in individual(s) with Leber congenital amaurosis (PMID: 29398085). ClinVar contains an entry for this variant (Variation ID: 1073456). Algorithms developed to predict the effect of sequence changes on RNA splicing suggest that this variant may disrupt the consensus splice site. For these reasons, this variant has been classified as Pathogenic.

Literature cited by the submitters: PubMed 16909394; PubMed 17345604; PubMed 20690115; PubMed 29398085.